The following is an entry in ClinVar:

ClinVar aggregate classification (germline): Uncertain significance (1 of 4 stars; one submission).

Conditions:
FG syndrome (FGS). Identifiers: MedGen C0220769, MONDO:0002010.

Submission:

Labcorp Genetics (formerly Invitae), Labcorp
Classification: Uncertain significance for FG syndrome. Last evaluated: 2024-06-30. Review status: criteria provided, single submitter. Criteria: Invitae Variant Classification Sherloc (09022015). Collection method: clinical testing. Allele origin: germline.
Comment: This sequence change replaces alanine, which is neutral and non-polar, with glycine, which is neutral and non-polar, at codon 2 of the MED12 protein (p.Ala2Gly). This variant is not present in population databases (gnomAD no frequency). This variant has not been reported in the literature in individuals affected with MED12-related conditions. Advanced modeling of protein sequence and biophysical properties (such as structural, functional, and spatial information, amino acid conservation, physicochemical variation, residue mobility, and thermodynamic stability) has been performed at Invitae for this missense variant, however the output from this modeling did not meet the statistical confidence thresholds required to predict the impact of this variant on MED12 protein function. In summary, the available evidence is currently insufficient to determine the role of this variant in disease. Therefore, it has been classified as a Variant of Uncertain Significance.

NM_005120.3(MED12):c.5C>G (p.Ala2Gly)

Gene: MED12 (mediator complex subunit 12; plus strand). Cytogenetic location: Xq13.1.
Variant type: single nucleotide variant.
Coding change: c.5C>G on transcript NM_005120.3 (MANE Select); coding-DNA position 5, C replaced by G.
Protein change: p.Ala2Gly; replaces alanine 2 with glycine.
Molecular consequence: missense variant.
Genome position (GRCh38, 1-based): chrX:71,118,759, C>G. VCF-style: chrX-71118759-C-G. GRCh37 (hg19) VCF-style: chrX-70338609-C-G.
Other names: short protein forms A2G.
Identifiers: ClinVar variation 3634941 (VCV003634941.2).
Genomic context (GRCh38, chrX:71,118,759, plus strand): 5'-CGTTCCCCCAGTCAGCCTGGCCCTGCTGGTGCCTCCGGCGCTACGGGCTGGGCAAGATGG[C>G]GGCCTTCGGGATCTTGAGCTACGAACACCGGCCCCTGAAGCGGCCGCGGCTGGGGCCTCC-3'
Protein context (NP_005111.2, residues 1-12): M[Ala2Gly]AFGILSYEHR